The following is an entry in ClinVar:

NM_001002295.2(GATA3):c.791G>A (p.Cys264Tyr)

Gene: GATA3 (GATA binding protein 3; plus strand). Cytogenetic location: 10p14.
Variant type: single nucleotide variant.
Coding change: c.791G>A on transcript NM_001002295.2 (MANE Select); coding-DNA position 791, G replaced by A.
Protein change: p.Cys264Tyr; replaces cysteine 264 with tyrosine.
Molecular consequence: missense variant.
Genome position (GRCh38, 1-based): chr10:8,064,005, G>A. VCF-style: chr10-8064005-G-A. GRCh37 (hg19) VCF-style: chr10-8105968-G-A.
Other names: c.788G>A, p.Cys263Tyr (NM_002051.3); short protein forms C263Y, C264Y.
Identifiers: ClinVar variation 2885875 (VCV002885875.3), dbSNP rs2131500364, ClinGen allele CA375973396.

ClinVar aggregate classification (germline): Uncertain significance (1 of 4 stars; one submission).

Submission:

Labcorp Genetics (formerly Invitae), Labcorp
Classification: Uncertain significance. Last evaluated: 2022-12-15. Review status: criteria provided, single submitter. Criteria: Invitae Variant Classification Sherloc (09022015). Collection method: clinical testing. Allele origin: germline.
Comment: Advanced modeling of protein sequence and biophysical properties (such as structural, functional, and spatial information, amino acid conservation, physicochemical variation, residue mobility, and thermodynamic stability) performed at Invitae indicates that this missense variant is expected to disrupt GATA3 protein function. This missense change has been observed in individual(s) with clinical features of hypoparathyroidism, deafness, and renal dysplasia (HDR) syndrome (Invitae). This variant is not present in population databases (gnomAD no frequency). This sequence change replaces cysteine, which is neutral and slightly polar, with tyrosine, which is neutral and polar, at codon 264 of the GATA3 protein (p.Cys264Tyr). This variant disrupts the p.Cys264 amino acid residue in GATA3. Other variant(s) that disrupt this residue have been observed in individuals with GATA3-related conditions (PMID: 32939031; Invitae), which suggests that this may be a clinically significant amino acid residue. In summary, the available evidence is currently insufficient to determine the role of this variant in disease. Therefore, it has been classified as a Variant of Uncertain Significance.

Literature cited by the submitters: PubMed 32939031.